The following is an entry in ClinVar:

NM_015338.6(ASXL1):c.1359G>C (p.Glu453Asp)

Gene: ASXL1 (ASXL transcriptional regulator 1; plus strand). Cytogenetic location: 20q11.21.
Variant type: single nucleotide variant.
Coding change: c.1359G>C on transcript NM_015338.6 (MANE Select); coding-DNA position 1359, G replaced by C.
Protein change: p.Glu453Asp; replaces glutamic acid 453 with aspartic acid.
Molecular consequence: missense variant.
Genome position (GRCh38, 1-based): chr20:32,433,557, G>C. VCF-style: chr20-32433557-G-C. GRCh37 (hg19) VCF-style: chr20-31021360-G-C.
Other names: c.1176G>C, p.Glu392Asp (NM_001363734.1); short protein forms E392D, E453D.
Identifiers: ClinVar variation 5030490 (VCV005030490.1).
Genomic context (GRCh38, chr20:32,433,557, plus strand): 5'-AGGGGTTGCTAAGGATGCAAAATCTGTGGCCTCAGATGTTCCCCTCTACAAGGATGGGGA[G>C]GCTAAGACTGACCCAGCAGGGCTGAGCAGTCCCCATCTGCCAGGCACATCCTCTGCAGCA-3'
Protein context (NP_056153.2, residues 443-463): ASDVPLYKDG[Glu453Asp]AKTDPAGLSS

ClinVar aggregate classification (germline): Uncertain significance (1 of 4 stars; one submission).

Conditions:
Inborn genetic diseases. Identifiers: MedGen C0950123, MeSH D030342.

Submission:

Ambry Genetics
Classification: Uncertain significance for Inborn genetic diseases. Last evaluated: 2026-09-03. Review status: criteria provided, single submitter. Criteria: Ambry Variant Classification Scheme 2023. Collection method: clinical testing. Allele origin: germline.
Comment: The p.E453D variant (also known as c.1359G>C), located in coding exon 12 of the ASXL1 gene, results from a G to C substitution at nucleotide position 1359. The glutamic acid at codon 453 is replaced by aspartic acid, an amino acid with highly similar properties. This amino acid position is conserved. In addition, this alteration is predicted to be tolerated by in silico analysis. Based on the available evidence, the clinical significance of this variant remains unclear.